The following is an entry in ClinVar:

NC_000017.11:g.32007642C>T

Genes: LRRC37B (leucine rich repeat containing 37B; plus strand), SUZ12 (SUZ12 polycomb repressive complex 2 subunit; plus strand), LOC130060672 (ATAC-STARR-seq lymphoblastoid silent region 8417; plus strand). Cytogenetic location: 17q11.2.
Variant type: single nucleotide variant.
Molecular consequence: 5 prime UTR variant (on NM_001321350.2).
Genome position: GRCh38 VCF-style: chr17-32007642-C-T. GRCh37 (hg19) VCF-style: chr17-30334661-C-T.
Other names: c.-681C>T (NM_001321350.2).
Identifiers: ClinVar variation 2647655 (VCV002647655.24), dbSNP rs544987121, ClinGen allele CA289433095.

ClinVar aggregate classification (germline): Benign (1 of 4 stars; one submission).

Allele frequency attached by ClinVar (database versions not stated): 1000 Genomes Project 0.00060; 1000 Genomes Project 30x 0.00078; TOPMed 0.00125; gnomAD 0.00150.
gnomAD v4.1: 245 of 151,452 alleles (0.16%); highest among the groups gnomAD compares: Non-Finnish European, 0.23%; 2 homozygotes.

Submission:

CeGaT Center for Human Genetics Tuebingen
Classification: Benign. Last evaluated: 2022-06-01. Review status: criteria provided, single submitter. Criteria: CeGaT Center For Human Genetics Tuebingen Variant Classification Criteria Version 2. Collection method: clinical testing. Allele origin: germline. Affected: yes. Observed: 1 variant allele.
Comment: SUZ12: BS1, BS2